The following is an entry in ClinVar:

ClinVar aggregate classification (germline): Uncertain significance (1 of 4 stars; one submission).

Allele frequency attached by ClinVar (database versions not stated): gnomAD exomes below 0.00001; ExAC 0.00001.
gnomAD v4.1: 2 of 1,614,174 alleles (0.00012%); highest among the groups gnomAD compares: South Asian, 0.0011%; no homozygotes.

Submission:

Labcorp Genetics (formerly Invitae), Labcorp
Classification: Uncertain significance. Last evaluated: 2022-05-10. Review status: criteria provided, single submitter. Criteria: Invitae Variant Classification Sherloc (09022015). Collection method: clinical testing. Allele origin: germline.
Comment: This variant is present in population databases (rs772987581, gnomAD 0.003%). This sequence change replaces threonine, which is neutral and polar, with isoleucine, which is neutral and non-polar, at codon 194 of the HNF1B protein (p.Thr194Ile). In summary, the available evidence is currently insufficient to determine the role of this variant in disease. Therefore, it has been classified as a Variant of Uncertain Significance. Algorithms developed to predict the effect of missense changes on protein structure and function (SIFT, PolyPhen-2, Align-GVGD) all suggest that this variant is likely to be tolerated. This variant has not been reported in the literature in individuals affected with HNF1B-related conditions.

NM_000458.4(HNF1B):c.581C>T (p.Thr194Ile)

Genes: HNF1B (HNF1 homeobox B; minus strand), LOC126862549 (BRD4-independent group 4 enhancer GRCh37_chr17:36093401-36094600; plus strand). Cytogenetic location: 17q12.
Variant type: single nucleotide variant.
Coding change: c.581C>T on transcript NM_000458.4 (MANE Select); coding-DNA position 581, C replaced by T.
Protein change: p.Thr194Ile; replaces threonine 194 with isoleucine.
Molecular consequence: missense variant. On other transcripts: intron variant (2).
Genome position (GRCh38, 1-based): chr17:37,733,785, G>A on the plus strand (C>T on the coding strand, the complement: HNF1B is on the minus strand). VCF-style: chr17-37733785-G-A. GRCh37 (hg19) VCF-style: chr17-36093778-G-A.
Other names: c.581C>T, p.Thr194Ile (NM_001411100.1); c.545-42C>T (NM_001304286.2, NM_001165923.4); short protein forms T194I.
Identifiers: ClinVar variation 2114257 (VCV002114257.4), dbSNP rs772987581, ClinGen allele CA8519043.
Genomic context (GRCh38, chr17:37,733,785, plus strand): 5'-TGGCTCTGTTGACTGAACTCTGGAAAGAGAAACAGCAGCTGATCCTGACTGCTTTTGTCT[G>A]TCATATTTCCAGAACTCTGGACTGTCTGGTTGAATTCTGAAAAGAGAAAGGAGTAGATTT-3'
Protein context (NP_000449.1, residues 184-204): NQTVQSSGNM[Thr194Ile]DKSSQDQLLF